The following is an entry in ClinVar:

ClinVar aggregate classification (germline): Uncertain significance (1 of 4 stars; one submission).

Allele frequency attached by ClinVar (database versions not stated): gnomAD exomes below 0.00001.
gnomAD v4.1: 2 of 1,613,756 alleles (0.00012%); highest among the groups gnomAD compares: Non-Finnish European, 0.00017%; no homozygotes.

Submission:

Ambry Genetics
Classification: Uncertain significance. Last evaluated: 2022-03-07. Review status: criteria provided, single submitter. Criteria: Ambry Variant Classification Scheme 2023. Collection method: clinical testing. Allele origin: germline.
Comment: The p.T866A variant (also known as c.2596A>G), located in coding exon 4 of the ALPK2 gene, results from an A to G substitution at nucleotide position 2596. The threonine at codon 866 is replaced by alanine, an amino acid with similar properties. This amino acid position is conserved. In addition, this alteration is predicted to be tolerated by in silico analysis. Since supporting evidence is limited at this time, the clinical significance of this alteration remains unclear.

NM_052947.4(ALPK2):c.2596A>G (p.Thr866Ala)

Gene: ALPK2 (alpha kinase 2; minus strand). Cytogenetic location: 18q21.31.
Variant type: single nucleotide variant.
Coding change: c.2596A>G on transcript NM_052947.4 (MANE Select); coding-DNA position 2596, A replaced by G.
Protein change: p.Thr866Ala; replaces threonine 866 with alanine.
Molecular consequence: missense variant.
Genome position (GRCh38, 1-based): chr18:58,537,591, T>C on the plus strand (A>G on the coding strand, the complement: ALPK2 is on the minus strand). VCF-style: chr18-58537591-T-C. GRCh37 (hg19) VCF-style: chr18-56204823-T-C.
Other names: short protein forms T866A.
Identifiers: ClinVar variation 1793569 (VCV001793569.2), dbSNP rs1277602219, ClinGen allele CA402570187.